The following is an entry in ClinVar:

ClinVar aggregate classification (germline): Likely benign (0 of 4 stars; one submission).

Conditions:
RAI1-related disorder. Also called: RAI1-related condition.

Submission:

PreventionGenetics, part of Exact Sciences
Classification: Likely benign for RAI1-related condition. Last evaluated: 2023-03-24. Review status: no assertion criteria provided. Collection method: clinical testing. Allele origin: germline.
Comment: This variant is classified as likely benign based on ACMG/AMP sequence variant interpretation guidelines (Richards et al. 2015 PMID: 25741868, with internal and published modifications).

NM_030665.4(RAI1):c.2301G>A (p.Lys767=)

Gene: RAI1 (retinoic acid induced 1; plus strand). Cytogenetic location: 17p11.2.
Variant type: single nucleotide variant.
Coding change: c.2301G>A on transcript NM_030665.4 (MANE Select); coding-DNA position 2301, G replaced by A.
Protein change: p.Lys767=; no amino-acid change (lysine 767 retained).
Molecular consequence: synonymous variant.
Genome position (GRCh38, 1-based): chr17:17,795,249, G>A. VCF-style: chr17-17795249-G-A. GRCh37 (hg19) VCF-style: chr17-17698563-G-A.
Identifiers: ClinVar variation 3356620 (VCV003356620.1).